The following is an entry in ClinVar:

NM_000038.6(APC):c.4735_4736del (p.Ile1579fs)

Gene: APC (APC regulator of Wnt signaling pathway; plus strand). Cytogenetic location: 5q22.2.
Variant type: Deletion.
Coding change: c.4735_4736del on transcript NM_000038.6 (MANE Select); coding-DNA positions 4735 to 4736, 2 bases deleted (AT; older notation c.4735_4736delAT).
Protein change: p.Ile1579fs; shifts the reading frame from isoleucine 1579.
Molecular consequence: frameshift variant.
Genome position (GRCh38, 1-based): chr5:112,840,329-112,840,330, AT deleted; deleting any 2 consecutive bases within chr5:112,840,328-112,840,330 gives the same sequence; the c. name uses the placement nearest the transcript's 3' end. VCF-style (leftmost placement, unchanged base first): chr5-112840327-GTA-G. GRCh37 (hg19) VCF-style: chr5-112176024-GTA-G.
Other names: c.4735_4736del, p.Ile1579fs (NM_001127510.3, NM_001354895.2); c.4681_4682del, p.Ile1561fs (NM_001127511.3); c.4789_4790del, p.Ile1597fs (NM_001354896.2); c.4765_4766del, p.Ile1589fs (NM_001354897.2); c.4660_4661del, p.Ile1554fs (NM_001354898.2); c.4651_4652del, p.Ile1551fs (NM_001354899.2); c.4612_4613del, p.Ile1538fs (NM_001354900.2); c.4558_4559del, p.Ile1520fs (NM_001354901.2); and 5 more; short protein forms I1538fs, I1554fs, I1579fs, I1589fs, I1488fs, I1551fs, I1597fs, I1296fs.
Identifiers: ClinVar variation 433667 (VCV000433667.3), dbSNP rs1554086138, ClinGen allele CA645372798.

ClinVar aggregate classification (germline): Pathogenic. Review status: criteria provided, multiple submitters, no conflicts (2 of 4 stars). 2 submissions from 2 submitters: Pathogenic (2). Last evaluated 2023-06-22.

Conditions:
Familial adenomatous polyposis 1 (FAP1). Also called: POLYPOSIS, ADENOMATOUS INTESTINAL; FAMILIAL ADENOMATOUS POLYPOSIS 1, ATTENUATED. Identifiers: MedGen C2713442, MONDO:0021056, OMIM 175100. Disease mechanism: loss of function.
Familial multiple polyposis syndrome (FAP). Also called: Familial adenomatous polyposis; Familial Adenomatous Polyposis (FAP); Familial intestinal polyposis; Familial polyposis; Classic familial adenomatous polyposis. Identifiers: Orphanet 733, MedGen C0032580, MONDO:0021055. Disease mechanism: loss of function.

Submissions (2):

Myriad Genetics, Inc.
Classification: Pathogenic for Familial adenomatous polyposis 1. Last evaluated: 2023-06-22. Review status: criteria provided, single submitter. Criteria: Myriad Autosomal Dominant, Autosomal Recessive and X-Linked Classification Criteria (2023). Collection method: clinical testing. Allele origin: unknown.
Comment: This variant is considered pathogenic. This variant creates a frameshift predicted to result in premature protein truncation.

Department of Pathology and Laboratory Medicine, Sinai Health System
Classification: Pathogenic for Familial multiple polyposis syndrome. Review status: criteria provided, single submitter. Criteria: ACMG Guidelines, 2015. Collection method: clinical testing. Allele origin: germline. Affected: yes. Study: Canadian Open Genetics Repository (COGR).